The following is an entry in ClinVar:

ClinVar aggregate classification (germline): Likely benign. Review status: criteria provided, multiple submitters, no conflicts (2 of 4 stars). 4 submissions from 4 submitters: Likely benign (4). Last evaluated 2026-01-06.

Allele frequency attached by ClinVar (database versions not stated): ESP Exome Variant Server 0.00023; 1000 Genomes Project 30x 0.00047; gnomAD 0.00056 and 0.00057; TOPMed 0.00059; 1000 Genomes Project 0.00060.
gnomAD v4.1: 482 of 1,613,994 alleles (0.03%); highest among the groups gnomAD compares: Middle Eastern, 0.2%; 2 homozygotes.

Submissions (4):

Labcorp Genetics (formerly Invitae), Labcorp
Classification: Likely benign. Last evaluated: 2026-01-06. Review status: criteria provided, single submitter. Criteria: Invitae Variant Classification Sherloc (09022015). Collection method: clinical testing. Allele origin: germline.

Blueprint Genetics
Classification: Likely benign. Last evaluated: 2024-11-22. Review status: criteria provided, single submitter. Criteria: ACMG Guidelines, 2015. Collection method: clinical testing. Allele origin: germline.

CeGaT Center for Human Genetics Tuebingen
Classification: Likely benign. Last evaluated: 2022-04-01. Review status: criteria provided, single submitter. Criteria: CeGaT Center For Human Genetics Tuebingen Variant Classification Criteria Version 2. Collection method: clinical testing. Allele origin: germline. Affected: yes. Observed: 1 variant allele.
Comment: LAT: BP4, BP7

Breakthrough Genomics
Classification: Likely benign. Review status: criteria provided, single submitter. Criteria: ACMG Guidelines, 2015. Collection method: not provided. Allele origin: germline. Inheritance: Autosomal recessive inheritance. Affected: yes.

NM_001014987.2(LAT):c.108C>T (p.Tyr36=)

Gene: LAT (linker for activation of T cells; plus strand). Cytogenetic location: 16p11.2.
Variant type: single nucleotide variant.
Coding change: c.108C>T on transcript NM_001014987.2 (MANE Select); coding-DNA position 108, C replaced by T.
Protein change: p.Tyr36=; no amino-acid change (tyrosine 36 retained).
Molecular consequence: synonymous variant.
Genome position (GRCh38, 1-based): chr16:28,985,720, C>T. VCF-style: chr16-28985720-C-T. GRCh37 (hg19) VCF-style: chr16-28997041-C-T.
Other names: c.108C>T, p.Tyr36= (NM_001014988.2, NM_014387.4); c.216C>T, p.Tyr72= (NM_001014989.2).
Identifiers: ClinVar variation 1658525 (VCV001658525.34), dbSNP rs138690406, ClinGen allele CA7989828.